The following is an entry in ClinVar:

NM_004006.3(DMD):c.5026G>T (p.Glu1676Ter)

Gene: DMD (dystrophin; minus strand). Cytogenetic location: Xp21.1.
Variant type: single nucleotide variant.
Coding change: c.5026G>T on transcript NM_004006.3 (MANE Select); coding-DNA position 5026, G replaced by T.
Protein change: p.Glu1676Ter; replaces glutamic acid 1676 with a stop codon.
Molecular consequence: nonsense.
Genome position (GRCh38, 1-based): chrX:32,364,710, C>A on the plus strand (G>T on the coding strand, the complement: DMD is on the minus strand). VCF-style: chrX-32364710-C-A. GRCh37 (hg19) VCF-style: chrX-32382827-C-A.
Other names: c.5002G>T, p.Glu1668Ter (NM_000109.4); c.5014G>T, p.Glu1672Ter (NM_004009.3); c.4657G>T, p.Glu1553Ter (NM_004010.3); c.1003G>T, p.Glu335Ter (NM_004011.4); c.994G>T, p.Glu332Ter (NM_004012.4); short protein forms E1553*, E1668*, E1672*, E1676*, E332*, E335*.
Identifiers: ClinVar variation 983659 (VCV000983659.4), dbSNP rs868267519, ClinGen allele CA412671704.

ClinVar aggregate classification (germline): Likely pathogenic (1 of 4 stars; one submission).

Conditions:
Progressive muscular dystrophy. Identifiers: Orphanet 206644, MedGen C4551827, MONDO:0016106.

Submission:

Myriad Genetics, Inc.
Classification: Likely pathogenic for Progressive muscular dystrophy. Last evaluated: 2019-12-28. Review status: criteria provided, single submitter. Criteria: Myriad Autosomal Dominant, Autosomal Recessive and X-Linked Classification Criteria (2023). Collection method: clinical testing. Allele origin: unknown.
Comment: NM_004006.2(DMD):c.5026G>T(E1676*) is expected to be pathogenic in the context of dystrophinopathy (including Duchenne/Becker muscular dystrophy). This variant is predicted to lead to an abnormal or absent protein product due to the creation of a premature termination codon in DMD, a gene where loss-of-function variants are known to be pathogenic. Please note: this variant was assessed in the context of healthy population screening.